The following is an entry in ClinVar:

NC_000007.14:g.107660702G>A

Genes: SLC26A4 (solute carrier family 26 member 4; plus strand), SLC26A4-AS1 (SLC26A4 antisense RNA 1; minus strand). Cytogenetic location: 7q22.3.
Variant type: single nucleotide variant.
Genome position: GRCh38 VCF-style: chr7-107660702-G-A. GRCh37 (hg19) VCF-style: chr7-107301147-G-A.
Identifiers: ClinVar variation 505771 (VCV000505771.6), dbSNP rs568363861, ClinGen allele CA164206143.

ClinVar aggregate classification (germline): Uncertain significance (1 of 4 stars; one submission).

Allele frequency attached by ClinVar (database versions not stated): 1000 Genomes Project 0.00020; gnomAD 0.00013 and 0.00015; 1000 Genomes Project 30x 0.00016; TOPMed 0.00020.

Submission:

Laboratory for Molecular Medicine, Mass General Brigham Personalized Medicine
Classification: Uncertain significance. Last evaluated: 2017-06-22. Review status: criteria provided, single submitter. Criteria: LMM Criteria. Collection method: clinical testing. Allele origin: germline. Observed: 1 variant allele.
Comment: The c.-157G>A variant in SLC26A4 has not been previously reported in individuals with hearing loss, but has been identified in 0.1% (1/838) of Latino chromosome s by the Genome Aggregation Database (gnomAD; dbSNP rs568363861). Although this variant has been seen in the general populatio n, its frequency is not high enough to rule out a pathogenic role. This variant is in the 5' untranslated region (UTR) of the SLC26A4 gene. It is unknown and c annot be predicted whether or not this variant impacts the protein. In summary, the clinical significance of this variant is uncertain.